The following is an entry in ClinVar:

NM_001972.4(ELANE):c.509A>G (p.Gln170Arg)

Gene: ELANE (elastase, neutrophil expressed; plus strand). Cytogenetic location: 19p13.3.
Variant type: single nucleotide variant.
Coding change: c.509A>G on transcript NM_001972.4 (MANE Select); coding-DNA position 509, A replaced by G.
Protein change: p.Gln170Arg; replaces glutamine 170 with arginine.
Molecular consequence: missense variant.
Genome position (GRCh38, 1-based): chr19:855,706, A>G. VCF-style: chr19-855706-A-G. GRCh37 (hg19) VCF-style: chr19-855706-A-G.
Other names: short protein forms Q170R.
Identifiers: ClinVar variation 2936094 (VCV002936094.3), dbSNP rs1359554932, ClinGen allele CA402918433.

ClinVar aggregate classification (germline): Uncertain significance (1 of 4 stars; one submission).

Conditions:
Neutropenia, severe congenital, 1, autosomal dominant. Identifiers: MedGen C1859966, MONDO:0042490, OMIM 202700.
Cyclical neutropenia. Also called: Cyclic hematopoiesis; Cyclic Neutropenia. Identifiers: Orphanet 2686, MedGen C0221023, MONDO:0008090, OMIM 162800, HP:0040289. Disease mechanism: loss of function.

Submission:

Labcorp Genetics (formerly Invitae), Labcorp
Classification: Uncertain significance for Neutropenia, severe congenital, 1, autosomal dominant; Cyclical neutropenia. Last evaluated: 2023-07-31. Review status: criteria provided, single submitter. Criteria: Invitae Variant Classification Sherloc (09022015). Collection method: clinical testing. Allele origin: germline.
Comment: The frequency data for this variant in the population databases is considered unreliable, as metrics indicate poor data quality at this position in the gnomAD database. In summary, the available evidence is currently insufficient to determine the role of this variant in disease. Therefore, it has been classified as a Variant of Uncertain Significance. Advanced modeling of protein sequence and biophysical properties (such as structural, functional, and spatial information, amino acid conservation, physicochemical variation, residue mobility, and thermodynamic stability) performed at Invitae indicates that this missense variant is expected to disrupt ELANE protein function. This variant has not been reported in the literature in individuals affected with ELANE-related conditions. This sequence change replaces glutamine, which is neutral and polar, with arginine, which is basic and polar, at codon 170 of the ELANE protein (p.Gln170Arg).